The following is an entry in ClinVar:

NM_006005.3(WFS1):c.2402A>G (p.Asp801Gly)

Gene: WFS1 (wolframin ER transmembrane glycoprotein; plus strand). Cytogenetic location: 4p16.1.
Variant type: single nucleotide variant.
Coding change: c.2402A>G on transcript NM_006005.3 (MANE Select); coding-DNA position 2402, A replaced by G.
Protein change: p.Asp801Gly; replaces aspartic acid 801 with glycine.
Molecular consequence: missense variant.
Genome position (GRCh38, 1-based): chr4:6,302,197, A>G. VCF-style: chr4-6302197-A-G. GRCh37 (hg19) VCF-style: chr4-6303924-A-G.
Other names: c.2402A>G, p.Asp801Gly (NM_001145853.1); short protein forms D801G.
Identifiers: ClinVar variation 3637018 (VCV003637018.3).

ClinVar aggregate classification (germline): Pathogenic/Likely pathogenic. Review status: criteria provided, multiple submitters, no conflicts (2 of 4 stars). 2 submissions from 2 submitters: Pathogenic (1); Likely pathogenic (1). Last evaluated 2025-03-18.

Conditions:
Autosomal dominant nonsyndromic hearing loss 6 (LFSNHL). Also called: DEAFNESS, AUTOSOMAL DOMINANT 6; DEAFNESS, AUTOSOMAL DOMINANT 14; DEAFNESS, AUTOSOMAL DOMINANT 38; Autosomal dominant nonsyndromic deafness 6. Identifiers: Orphanet 90635, MedGen C1833021, MONDO:0010963, OMIM 600965.

Submissions (2):

Labcorp Genetics (formerly Invitae), Labcorp
Classification: Pathogenic. Last evaluated: 2025-03-18. Review status: criteria provided, single submitter. Criteria: Invitae Variant Classification Sherloc (09022015). Collection method: clinical testing. Allele origin: germline.
Comment: This sequence change replaces aspartic acid, which is acidic and polar, with glycine, which is neutral and non-polar, at codon 801 of the WFS1 protein (p.Asp801Gly). This variant is not present in population databases (gnomAD no frequency). This missense change has been observed in individual(s) with autosomal dominant WFS1-related conditions (internal data). In at least one individual the variant was observed to be de novo. Invitae Evidence Modeling of protein sequence and biophysical properties (such as structural, functional, and spatial information, amino acid conservation, physicochemical variation, residue mobility, and thermodynamic stability) indicates that this missense variant is expected to disrupt WFS1 protein function with a positive predictive value of 95%. For these reasons, this variant has been classified as Pathogenic.

Precision Medicine Center, Zhengzhou University
Classification: Likely pathogenic for Autosomal dominant nonsyndromic hearing loss 6. Last evaluated: 2006-06-30. Review status: criteria provided, single submitter. Criteria: ClinGen HL ACMG Specifications v1. Collection method: clinical testing. Allele origin: de novo. Affected: yes.
Comment: PS2+PM2+PP3:The WFS1 c.2402A>G variant is absent or extremely rare in population databases, supporting its rarity in the general population (PM2). Multiple computational prediction algorithms consistently predict that this missense variant has a deleterious effect on protein function (PP3). Based on the ACMG/AMP guidelines, this variant meets the criteria PS2, PM2, and PP3, and is therefore classified as Likely Pathogenic.